The following is an entry in ClinVar:

NM_001009944.3(PKD1):c.12212T>C (p.Leu4071Pro)

Gene: PKD1 (polycystin 1, transient receptor potential channel interacting; minus strand). Cytogenetic location: 16p13.3.
Variant type: single nucleotide variant.
Coding change: c.12212T>C on transcript NM_001009944.3 (MANE Select); coding-DNA position 12212, T replaced by C.
Protein change: p.Leu4071Pro; replaces leucine 4071 with proline.
Molecular consequence: missense variant.
Genome position (GRCh38, 1-based): chr16:2,090,517, A>G on the plus strand (T>C on the coding strand, the complement: PKD1 is on the minus strand). VCF-style: chr16-2090517-A-G. GRCh37 (hg19) VCF-style: chr16-2140518-A-G.
Other names: c.12209T>C, p.Leu4070Pro (NM_000296.4); short protein forms L4071P, L4070P.
Identifiers: ClinVar variation 5001284 (VCV005001284.1).

ClinVar aggregate classification (germline): Uncertain significance (1 of 4 stars; one submission).

Conditions:
PKD1-related disorder. Also called: PKD1-related condition.

gnomAD v4.1: 2 of 1,611,104 alleles (0.00012%); highest among the groups gnomAD compares: Admixed American, 0.0017%; no homozygotes.

Submission:

PreventionGenetics, part of Exact Sciences
Classification: Uncertain significance for PKD1-related condition. Last evaluated: 2026-06-04. Review status: criteria provided, single submitter. Criteria: ACMG Guidelines, 2015. Collection method: clinical testing. Allele origin: germline.
Comment: The PKD1 c.12212T>C variant is predicted to result in the amino acid substitution p.Leu4071Pro. To our knowledge, this variant has not been reported in the literature. This variant is reported in 0.0029% of alleles in individuals of Latino descent in gnomAD. At this time, the clinical significance of this variant is uncertain due to the absence of conclusive functional and genetic evidence.